The following is an entry in ClinVar:

NM_024996.7(GFM1):c.1380+1G>T

Gene: GFM1 (G elongation factor mitochondrial 1; plus strand). Cytogenetic location: 3q25.32.
Variant type: single nucleotide variant.
Coding change: c.1380+1G>T on transcript NM_024996.7 (MANE Select); the canonical splice donor site of the intron after coding-DNA position 1380, G replaced by T.
Molecular consequence: splice donor variant.
Genome position (GRCh38, 1-based): chr3:158,662,685, G>T. VCF-style: chr3-158662685-G-T. GRCh37 (hg19) VCF-style: chr3-158380474-G-T.
Other names: c.1437+1G>T (NM_001308164.2); c.1155+1G>T (NM_001374357.1); c.1299+1G>T (NM_001374355.1); c.1263+1G>T (NM_001374356.1); c.813+1G>T (NM_001374359.1, NM_001374360.1); c.696+1G>T (NM_001374361.1); c.921+1G>T (NM_001374358.1); c.1380+1G>T (NM_001308166.2).
Identifiers: ClinVar variation 1520063 (VCV001520063.9), dbSNP rs1456835520, ClinGen allele CA355178159.
Genomic context (GRCh38, chr3:158,662,685, plus strand): 5'-TAGGAGTCAATTCATGTTCCTGATCCTGTCATTTCAATAGCAATGAAGCCTTCTAACAAG[G>T]TAGGAGTTTGATTTAAAGCTCAGTATATCACAATTAAAACTTGAGCTCTTTTTCATCTAT-3'

ClinVar aggregate classification (germline): Likely pathogenic. Review status: criteria provided, multiple submitters, no conflicts (2 of 4 stars). 2 submissions from 2 submitters: Likely pathogenic (2). Last evaluated 2023-12-29.

Conditions:
Hepatoencephalopathy due to combined oxidative phosphorylation defect type 1. Also called: HEPATOENCEPHALOPATHY, EARLY FATAL PROGRESSIVE. Identifiers: Orphanet 137681, MedGen C1836797, MONDO:0012191, OMIM 609060.

Submissions (2):

Fulgent Genetics
Classification: Likely pathogenic for Hepatoencephalopathy due to combined oxidative phosphorylation defect type 1. Last evaluated: 2023-12-29. Review status: criteria provided, single submitter. Criteria: ACMG Guidelines, 2015. Collection method: clinical testing. Allele origin: germline.

Labcorp Genetics (formerly Invitae), Labcorp
Classification: Likely pathogenic. Last evaluated: 2021-05-07. Review status: criteria provided, single submitter. Criteria: Invitae Variant Classification Sherloc (09022015). Collection method: clinical testing. Allele origin: germline.
Comment: This variant has not been reported in the literature in individuals with GFM1-related conditions. In summary, the currently available evidence indicates that the variant is pathogenic, but additional data are needed to prove that conclusively. Therefore, this variant has been classified as Likely Pathogenic. Algorithms developed to predict the effect of sequence changes on RNA splicing suggest that this variant may disrupt the consensus splice site, but this prediction has not been confirmed by published transcriptional studies. This variant is not present in population databases (ExAC no frequency). This sequence change affects a donor splice site in intron 11 of the GFM1 gene. It is expected to disrupt RNA splicing. Variants that disrupt the donor or acceptor splice site typically lead to a loss of protein function (PMID: 16199547), and loss-of-function variants in GFM1 are known to be pathogenic (PMID: 16632485, 17160893).

Literature cited by the submitters: PubMed 16199547 (cited by Labcorp Genetics (formerly Invitae), Labcorp); PubMed 16632485 (cited by Labcorp Genetics (formerly Invitae), Labcorp); PubMed 17160893 (cited by Labcorp Genetics (formerly Invitae), Labcorp).